The following is an entry in ClinVar:

ClinVar aggregate classification (germline): Pathogenic/Likely pathogenic. Review status: criteria provided, multiple submitters, no conflicts (2 of 4 stars). 2 submissions from 2 submitters: Pathogenic (1); Likely pathogenic (1). Last evaluated 2020-12-04.

Conditions:
Alstrom syndrome (ALMS). Identifiers: Orphanet 64, MedGen C0268425, MONDO:0008763, OMIM 203800.

Submissions (2):

Johns Hopkins Genomics, Johns Hopkins University
Classification: Pathogenic for Alstrom syndrome. Last evaluated: 2020-12-04. Review status: criteria provided, single submitter. Criteria: ACMG Guidelines, 2015. Collection method: clinical testing. Allele origin: germline.

Women's Health and Genetics/Laboratory Corporation of America, LabCorp
Classification: Likely pathogenic for Alstrom syndrome. Last evaluated: 2020-11-24. Review status: criteria provided, single submitter. Criteria: LabCorp Variant Classification Summary - May 2015. Collection method: clinical testing. Allele origin: germline.
Comment: Variant summary: ALMS1 c.1938delA (p.Val647PhefsX25)(aka c.1944delA) results in a premature termination codon, predicted to cause a truncation of the encoded protein or absence of the protein due to nonsense mediated decay, which are commonly known mechanisms for disease. The variant was absent in 248798 control chromosomes (gnomAD). To our knowledge, no occurrence of c.1938delA in individuals affected with Alstrom Syndrome and no experimental evidence demonstrating its impact on protein function have been reported. No clinical diagnostic laboratories have submitted clinical-significance assessments for this variant to ClinVar after 2014. Based on the evidence outlined above, the variant was classified as likely pathogenic.

Literature cited by the submitters: PubMed 11941369 (cited by Johns Hopkins Genomics, Johns Hopkins University); PubMed 11941370 (cited by Johns Hopkins Genomics, Johns Hopkins University); PubMed 17594715 (cited by Johns Hopkins Genomics, Johns Hopkins University).

NM_001378454.1(ALMS1):c.1941del (p.Val648fs)

Gene: ALMS1 (ALMS1 centrosome and basal body associated protein; plus strand). Cytogenetic location: 2p13.1.
Variant type: Deletion.
Coding change: c.1941del on transcript NM_001378454.1 (MANE Select); coding-DNA position 1941, one base deleted (A; older notation c.1941delA).
Protein change: p.Val648fs; shifts the reading frame from valine 648.
Molecular consequence: frameshift variant.
Genome position (GRCh38, 1-based): chr2:73,448,468, A deleted; the last of 2 consecutive A bases (chr2:73,448,467-73,448,468); deleting either gives the same sequence. VCF-style (leftmost placement, unchanged base first): chr2-73448466-GA-G. GRCh37 (hg19) VCF-style: chr2-73675593-GA-G.
Other names: c.1944delA (NM_015120.4); c.1944del, p.Val649fs (NM_015120.4); short protein forms V648fs, V649fs.
Identifiers: ClinVar variation 987861 (VCV000987861.2), dbSNP rs1671852270, ClinGen allele CA1139657102.